The following is an entry in ClinVar:

NM_000384.3(APOB):c.3271A>G (p.Arg1091Gly)

Gene: APOB (apolipoprotein B; minus strand). Cytogenetic location: 2p24.1.
Variant type: single nucleotide variant.
Coding change: c.3271A>G on transcript NM_000384.3 (MANE Select); coding-DNA position 3271, A replaced by G.
Protein change: p.Arg1091Gly; replaces arginine 1091 with glycine.
Molecular consequence: missense variant.
Genome position (GRCh38, 1-based): chr2:21,016,500, T>C on the plus strand (A>G on the coding strand, the complement: APOB is on the minus strand). VCF-style: chr2-21016500-T-C. GRCh37 (hg19) VCF-style: chr2-21239372-T-C.
Other names: c.3271A>G (NM_000384.2); short protein forms R1091G.
Identifiers: ClinVar variation 1513683 (VCV001513683.13), dbSNP rs368122382, ClinGen allele CA058409.

ClinVar aggregate classification (germline): Conflicting classifications of pathogenicity. Review status: criteria provided, conflicting classifications (1 of 4 stars). 4 submissions from 4 submitters: Uncertain significance (2); Likely benign (2). Last evaluated 2026-05-22.

Conditions:
Hypercholesterolemia, autosomal dominant, type B (FHCL2). Also called: Familial Hypercholesterolemia Type B; APOLIPOPROTEIN B-100, FAMILIAL DEFECTIVE; APOLIPOPROTEIN B-100, FAMILIAL LIGAND-DEFECTIVE; Familial hypercholesterolemia 2; APOB-Related Familial Hypercholesterolemia, Autosomal Dominant; Hyperlipoproteinemia Type IIb. Identifiers: MedGen C1704417, MONDO:0007751, OMIM 144010.
Familial hypobetalipoproteinemia 1. Also called: Hypobetalipoproteinemia, normotriglyceridemic; Acanthocytosis with hypobetalipoproteinemia; APOB-Related Familial Hypobetalipoproteinemia. Identifiers: MedGen C4551990, MONDO:0014252, OMIM 615558.
APOB-related disorder. Also called: APOB-related disorders; APOB-related condition.
Cardiovascular phenotype. Identifiers: MedGen CN230736.

Allele frequency attached by ClinVar (database versions not stated): gnomAD 0.00002 and 0.00003; TOPMed 0.00002; ExAC 0.00003; gnomAD exomes 0.00003; ESP Exome Variant Server 0.00008.
gnomAD v4.1: 53 of 1,611,572 alleles (0.0033%); highest among the groups gnomAD compares: Non-Finnish European, 0.0042%; no homozygotes.

Submissions (4):

PreventionGenetics, part of Exact Sciences
Classification: Uncertain significance for APOB-related condition. Last evaluated: 2026-05-22. Review status: criteria provided, single submitter. Criteria: ACMG Guidelines, 2015. Collection method: clinical testing. Allele origin: germline.
Comment: The APOB c.3271A>G variant is predicted to result in the amino acid substitution p.Arg1091Gly. To our knowledge, this variant has not been reported in the literature. This variant is reported in 0.0054% of alleles in individuals of European (Non-Finnish) descent in gnomAD. At this time, the clinical significance of this variant is uncertain due to the absence of conclusive functional and genetic evidence.

Ambry Genetics
Classification: Likely benign for Cardiovascular phenotype. Last evaluated: 2025-05-02. Review status: criteria provided, single submitter. Criteria: Ambry Variant Classification Scheme 2023. Collection method: clinical testing. Allele origin: germline.

Labcorp Genetics (formerly Invitae), Labcorp
Classification: Likely benign for Familial hypobetalipoproteinemia 1; Hypercholesterolemia, autosomal dominant, type B. Last evaluated: 2024-08-19. Review status: criteria provided, single submitter. Criteria: Invitae Variant Classification Sherloc (09022015). Collection method: clinical testing. Allele origin: germline.

Fulgent Genetics
Classification: Uncertain significance for Hypercholesterolemia, autosomal dominant, type B; Familial hypobetalipoproteinemia 1. Last evaluated: 2021-09-13. Review status: criteria provided, single submitter. Criteria: ACMG Guidelines, 2015. Collection method: clinical testing. Allele origin: unknown.